The following is an entry in ClinVar:

NM_031407.7(HUWE1):c.311T>C (p.Ile104Thr)

Gene: HUWE1 (HECT, UBA and WWE domain containing E3 ubiquitin protein ligase 1; minus strand). Cytogenetic location: Xp11.22.
Variant type: single nucleotide variant.
Coding change: c.311T>C on transcript NM_031407.7 (MANE Select); coding-DNA position 311, T replaced by C.
Protein change: p.Ile104Thr; replaces isoleucine 104 with threonine.
Molecular consequence: missense variant.
Genome position (GRCh38, 1-based): chrX:53,647,408, A>G on the plus strand (T>C on the coding strand, the complement: HUWE1 is on the minus strand). VCF-style: chrX-53647408-A-G. GRCh37 (hg19) VCF-style: chrX-53674351-A-G.
Other names: short protein forms I104T.
Identifiers: ClinVar variation 985217 (VCV000985217.4), dbSNP rs781888452, ClinGen allele CA329196613.
Genomic context (GRCh38, chrX:53,647,408, plus strand): 5'-CAGGCTTTAACCTCCCCTACCTCTATGGAACTGTACAGATGCCGGGAAAAGCTGTACTCA[A>G]TGAGCAAGGCTGTGAAGTTCAACACAGCCAAGAGAAGCATTTTCAGTTGCTCTCTTTCTG-3'
Protein context (NP_113584.3, residues 94-114): LAVLNFTALL[Ile104Thr]EYSFSRHLYS

ClinVar aggregate classification (germline): Uncertain significance. Review status: criteria provided, multiple submitters, no conflicts (2 of 4 stars). 2 submissions from 2 submitters: Uncertain significance (2). Last evaluated 2024-02-21.

Conditions:
Inborn genetic diseases. Identifiers: MedGen C0950123, MeSH D030342.

Submissions (2):

GeneDx
Classification: Uncertain significance. Last evaluated: 2024-02-21. Review status: criteria provided, single submitter. Criteria: GeneDx Variant Classification Process June 2021. Collection method: clinical testing. Allele origin: germline. Affected: yes.
Comment: Not observed at significant frequency in large population cohorts (gnomAD); In silico analysis supports that this missense variant has a deleterious effect on protein structure/function; Has not been previously published as pathogenic or benign to our knowledge

Ambry Genetics
Classification: Uncertain significance for Inborn genetic diseases. Last evaluated: 2018-10-10. Review status: criteria provided, single submitter. Criteria: Ambry exome assertion method (8-5-2015). Collection method: clinical testing. Allele origin: germline. Affected: yes. Observed: 1 variant allele.